The following is an entry in ClinVar:

ClinVar aggregate classification (germline): Uncertain significance (1 of 4 stars; one submission).

Submission:

GeneDx
Classification: Uncertain significance. Last evaluated: 2020-06-25. Review status: criteria provided, single submitter. Criteria: GeneDx Variant Classification Process June 2021. Collection method: clinical testing. Allele origin: germline. Affected: yes.
Comment: Not observed in large population cohorts (Lek et al., 2016); In silico analysis supports that this missense variant has a deleterious effect on protein structure/function; Has not been previously published as pathogenic or benign to our knowledge

NM_001271696.3(ABCB7):c.710A>G (p.Asp237Gly)

Gene: ABCB7 (ATP binding cassette subfamily B member 7; minus strand). Cytogenetic location: Xq13.3.
Variant type: single nucleotide variant.
Coding change: c.710A>G on transcript NM_001271696.3 (MANE Select); coding-DNA position 710, A replaced by G.
Protein change: p.Asp237Gly; replaces aspartic acid 237 with glycine.
Molecular consequence: missense variant.
Genome position (GRCh38, 1-based): chrX:75,075,507, T>C on the plus strand (A>G on the coding strand, the complement: ABCB7 is on the minus strand). VCF-style: chrX-75075507-T-C. GRCh37 (hg19) VCF-style: chrX-74295342-T-C.
Other names: c.590A>G, p.Asp197Gly (NM_001271697.3); c.632A>G, p.Asp211Gly (NM_001271698.3); c.593A>G, p.Asp198Gly (NM_001271699.3); c.713A>G, p.Asp238Gly (NM_004299.6); short protein forms D197G, D198G, D211G, D237G, D238G.
Identifiers: ClinVar variation 1312738 (VCV001312738.2), dbSNP rs2147470801, ClinGen allele CA413677408.